The following is an entry in ClinVar:

NM_000038.6(APC):c.3486_3487del (p.Tyr1162_Ser1163delinsTer)

Gene: APC (APC regulator of Wnt signaling pathway; plus strand). Cytogenetic location: 5q22.2.
Variant type: Microsatellite.
Coding change: c.3486_3487del on transcript NM_000038.6 (MANE Select); coding-DNA positions 3486 to 3487, 2 bases deleted (TA; older notation c.3486_3487delTA).
Protein change: p.Tyr1162_Ser1163delinsTer.
Molecular consequence: nonsense.
Genome position (GRCh38, 1-based): chr5:112,839,080-112,839,081, TA deleted; deleting any 2 consecutive bases within chr5:112,839,078-112,839,081 gives the same sequence; the c. name uses the placement nearest the transcript's 3' end. VCF-style (leftmost placement, unchanged base first): chr5-112839077-TTA-T. GRCh37 (hg19) VCF-style: chr5-112174774-TTA-T.
Other names: c.3486_3487del, p.Tyr1162_Ser1163delinsTer (NM_001127510.3, NM_001354895.2); c.3432_3433del, p.Tyr1144_Ser1145delinsTer (NM_001127511.3); c.3540_3541del, p.Tyr1180_Ser1181delinsTer (NM_001354896.2); c.3516_3517del, p.Tyr1172_Ser1173delinsTer (NM_001354897.2); c.3411_3412del, p.Tyr1137_Ser1138delinsTer (NM_001354898.2); c.3402_3403del, p.Tyr1134_Ser1135delinsTer (NM_001354899.2); c.3363_3364del, p.Tyr1121_Ser1122delinsTer (NM_001354900.2); c.3309_3310del, p.Tyr1103_Ser1104delinsTer (NM_001354901.2); and 5 more.
Identifiers: ClinVar variation 185656 (VCV000185656.4), dbSNP rs786202348, ClinGen allele CA008460.

ClinVar aggregate classification (germline): Pathogenic. Review status: criteria provided, multiple submitters, no conflicts (2 of 4 stars). 2 submissions from 2 submitters: Pathogenic (2). Last evaluated 2023-05-08.

Conditions:
Hereditary cancer-predisposing syndrome. Also called: Hereditary neoplastic syndrome; Neoplastic Syndromes, Hereditary; Tumor predisposition; Hereditary Cancer Syndrome. Identifiers: Orphanet 140162, MedGen C0027672, MeSH D009386, MONDO:0015356.
Familial adenomatous polyposis 1 (FAP1). Also called: FAMILIAL ADENOMATOUS POLYPOSIS 1, ATTENUATED; POLYPOSIS, ADENOMATOUS INTESTINAL. Identifiers: MedGen C2713442, MONDO:0021056, OMIM 175100. Disease mechanism: loss of function.

Submissions (2):

Myriad Genetics, Inc.
Classification: Pathogenic for Familial adenomatous polyposis 1. Last evaluated: 2023-05-08. Review status: criteria provided, single submitter. Criteria: Myriad Autosomal Dominant, Autosomal Recessive and X-Linked Classification Criteria (2023). Collection method: clinical testing. Allele origin: unknown.
Comment: This variant is considered pathogenic. This variant creates a termination codon and is predicted to result in premature protein truncation.

Ambry Genetics
Classification: Pathogenic for Hereditary cancer-predisposing syndrome. Last evaluated: 2014-07-14. Review status: criteria provided, single submitter. Criteria: Ambry Autosomal Dominant and X-Linked criteria (10/2015). Collection method: clinical testing. Allele origin: germline. Observed: 1 variant allele.
Comment: The c.3486_3487delTA pathogenic mutation, located in coding exon 15 of the APC gene, results from a deletion of two nucleotides at positions 3486 and 3487, causing a translational frameshift with a predicted alternate stop codon. Since frameshifts are typically deleterious in nature, this alteration is interpreted as a disease-causing mutation (ACMG Recommendations for Standards for Interpretation and Reporting of Sequence Variations. Revision 2007. Genet Med. 2008;10:294).